The following is an entry in ClinVar:

ClinVar aggregate classification (germline): Conflicting classifications of pathogenicity. Review status: criteria provided, conflicting classifications (1 of 4 stars). 6 submissions from 6 submitters: Uncertain significance (1); Benign (1); Likely benign (3). 1 of the submissions does not count toward it. Last evaluated 2025-11-05.

Conditions:
Hereditary cancer-predisposing syndrome. Also called: Tumor predisposition; Hereditary neoplastic syndrome; Neoplastic Syndromes, Hereditary; Hereditary Cancer Syndrome. Identifiers: Orphanet 140162, MedGen C0027672, MeSH D009386, MONDO:0015356.
Oligodontia-cancer predisposition syndrome. Also called: TOOTH AGENESIS-COLORECTAL CANCER SYNDROME. Identifiers: Orphanet 300576, MedGen C1837750, MONDO:0012075, OMIM 608615. Disease mechanism: loss of function.
AXIN2-related disorder.

Allele frequency attached by ClinVar (database versions not stated): TOPMed below 0.00001; gnomAD exomes 0.00001; ESP Exome Variant Server 0.00008.
gnomAD v4.1: 6 of 1,614,072 alleles (0.00037%); highest among the groups gnomAD compares: Non-Finnish European, 0.00051%; no homozygotes.

Submissions (6):

Labcorp Genetics (formerly Invitae), Labcorp
Classification: Likely benign for Oligodontia-cancer predisposition syndrome. Last evaluated: 2025-11-05. Review status: criteria provided, single submitter. Criteria: Invitae Variant Classification Sherloc (09022015). Collection method: clinical testing. Allele origin: germline.

Quest Diagnostics Nichols Institute San Juan Capistrano
Classification: Uncertain significance. Last evaluated: 2025-04-01. Review status: criteria provided, single submitter. Criteria: Quest Diagnostics criteria. Collection method: clinical testing. Allele origin: unknown.
Comment: The AXIN2 c.402C>T (p.Ile134=) synonymous variant has not been reported in individuals with AXIN2-related conditions in the published literature. It also has not been reported in large, multi-ethnic general populations (Genome Aggregation Database). Analysis of this variant using software algorithms for the prediction of the effect of nucleotide changes on splicing yielded predictions that this variant does not affect AXIN2 mRNA splicing. Based on the available information, we are unable to determine the clinical significance of this variant.

Myriad Genetics, Inc.
Classification: Benign for Oligodontia-cancer predisposition syndrome. Last evaluated: 2024-06-26. Review status: criteria provided, single submitter. Criteria: Myriad Autosomal Dominant, Autosomal Recessive and X-Linked Classification Criteria (2023). Collection method: clinical testing. Allele origin: unknown.
Comment: This variant is considered benign. This variant is a silent/synonymous amino acid change and it is not expected to impact splicing.

Ambry Genetics
Classification: Likely benign for Hereditary cancer-predisposing syndrome. Last evaluated: 2020-08-19. Review status: criteria provided, single submitter. Criteria: Ambry Variant Classification Scheme 2023. Collection method: clinical testing. Allele origin: germline.

GeneDx
Classification: Likely benign. Last evaluated: 2017-10-17. Review status: criteria provided, single submitter. Criteria: GeneDx Variant Classification (06012015). Collection method: clinical testing. Allele origin: germline. Affected: yes.
Comment: This variant is considered likely benign or benign based on one or more of the following criteria: it is a conservative change, it occurs at a poorly conserved position in the protein, it is predicted to be benign by multiple in silico algorithms, and/or has population frequency not consistent with disease.

PreventionGenetics, part of Exact Sciences
Classification: Likely benign for AXIN2-related condition. Last evaluated: 2024-07-17. Review status: no assertion criteria provided. Collection method: clinical testing. Allele origin: germline. Not counted in ClinVar's aggregate classification.
Comment: This variant is classified as likely benign based on ACMG/AMP sequence variant interpretation guidelines (Richards et al. 2015 PMID: 25741868, with internal and published modifications).

NM_004655.4(AXIN2):c.402C>T (p.Ile134=)

Gene: AXIN2 (axin 2; minus strand). Cytogenetic location: 17q24.1.
Variant type: single nucleotide variant.
Coding change: c.402C>T on transcript NM_004655.4 (MANE Select); coding-DNA position 402, C replaced by T.
Protein change: p.Ile134=; no amino-acid change (isoleucine 134 retained).
Molecular consequence: synonymous variant.
Genome position (GRCh38, 1-based): chr17:65,558,219, G>A on the plus strand (C>T on the coding strand, the complement: AXIN2 is on the minus strand). VCF-style: chr17-65558219-G-A. GRCh37 (hg19) VCF-style: chr17-63554337-G-A.
Other names: c.402C>T (LRG_296t1); c.402C>T, p.Ile134= (NM_001363813.1).
Identifiers: ClinVar variation 381228 (VCV000381228.17), dbSNP rs375952649, ClinGen allele CA16608611.
Genomic context (GRCh38, chr17:65,558,219, plus strand): 5'-CTTGGTGGCAGGCTTCAGCTGCTTGGAGACAATGCTGTTGTTCTCAATGTACCTTTTGTA[G>A]ATCGCTTTGGCTACTCGTAAAGTTTTGGTATCCTTCAGGTTCATCTGCCTGAATCCATTG-3'
Protein context (NP_004646.3, residues 124-144): DTKTLRVAKA[Ile134=]YKRYIENNSI